The following is an entry in ClinVar:

ClinVar aggregate classification (germline): Uncertain significance (1 of 4 stars; one submission).

Submission:

Labcorp Genetics (formerly Invitae), Labcorp
Classification: Uncertain significance. Last evaluated: 2023-10-25. Review status: criteria provided, single submitter. Criteria: Invitae Variant Classification Sherloc (09022015). Collection method: clinical testing. Allele origin: germline.
Comment: This sequence change creates a premature translational stop signal (p.Tyr686Metfs*4) in the GPR179 gene. While this is not anticipated to result in nonsense mediated decay, it is expected to disrupt the last 1682 amino acid(s) of the GPR179 protein. This variant is not present in population databases (gnomAD no frequency). This variant has not been reported in the literature in individuals affected with GPR179-related conditions. In summary, the available evidence is currently insufficient to determine the role of this variant in disease. Therefore, it has been classified as a Variant of Uncertain Significance.

NM_001004334.4(GPR179):c.2056del (p.Tyr686fs)

Gene: GPR179 (G protein-coupled receptor 179; minus strand). Cytogenetic location: 17q12.
Variant type: Deletion.
Coding change: c.2056del on transcript NM_001004334.4 (MANE Select); coding-DNA position 2056, one base deleted (T; older notation c.2056delT).
Protein change: p.Tyr686fs; shifts the reading frame from tyrosine 686.
Molecular consequence: frameshift variant.
Genome position (GRCh38, 1-based): chr17:38,331,513, A deleted on the plus strand (T on the coding strand, the reverse complement: GPR179 is on the minus strand). VCF-style (leftmost placement, unchanged base first): chr17-38331512-TA-T. GRCh37 (hg19) VCF-style: chr17-36487395-TA-T.
Other names: short protein forms Y686fs.
Identifiers: ClinVar variation 2771838 (VCV002771838.3), dbSNP rs2512163446, ClinGen allele CA2697559848.